The following is an entry in ClinVar:

NM_018489.3(ASH1L):c.995G>A (p.Gly332Glu)

Gene: ASH1L (ASH1 like histone lysine methyltransferase; minus strand). Cytogenetic location: 1q22.
Variant type: single nucleotide variant.
Coding change: c.995G>A on transcript NM_018489.3 (MANE Select); coding-DNA position 995, G replaced by A.
Protein change: p.Gly332Glu; replaces glycine 332 with glutamic acid.
Molecular consequence: missense variant.
Genome position (GRCh38, 1-based): chr1:155,481,875, C>T on the plus strand (G>A on the coding strand, the complement: ASH1L is on the minus strand). VCF-style: chr1-155481875-C-T. GRCh37 (hg19) VCF-style: chr1-155451666-C-T.
Other names: c.995G>A, p.Gly332Glu (NM_001366177.2); short protein forms G332E.
Identifiers: ClinVar variation 5007891 (VCV005007891.2).

ClinVar aggregate classification (germline): Uncertain significance (1 of 4 stars; one submission).

Conditions:
Intellectual developmental disorder, autosomal dominant 52. Also called: Intellectual disability, autosomal dominant 52; Mental retardation, autosomal dominant 52. Identifiers: MedGen C4540478, MONDO:0030918, OMIM 617796.

gnomAD v4.1: 1 of 1,614,152 alleles (0.000062%); highest among the groups gnomAD compares: Non-Finnish European, 0.000085%; no homozygotes.

Submission:

Juno Genomics, Hangzhou Juno Genomics, Inc
Classification: Uncertain significance for Intellectual developmental disorder, autosomal dominant 52. Review status: criteria provided, single submitter. Criteria: ACMG Guidelines, 2015. Collection method: clinical testing. Allele origin: germline.
Comment: Absent from controls (or at extremely low frequency if recessive) in Genome Aggregation Database.;Missense variant in a gene that has a low rate of benign missense variation.